The following is an entry in ClinVar:

ClinVar aggregate classification (germline): Pathogenic. Review status: criteria provided, single submitter (1 of 4 stars). 3 submissions from 3 submitters: Pathogenic (1). 2 of the submissions do not count toward it.

Conditions:
Polycystic kidney disease, adult type (PKD1). Also called: Polycystic Kidney Disease 1, Autosomal Dominant; Polycystic kidney disease 1; Polycystic kidney disease 1, severe; POLYCYSTIC KIDNEY DISEASE, ADULT, TYPE I; POLYCYSTIC KIDNEY DISEASE 1 WITH OR WITHOUT POLYCYSTIC LIVER DISEASE; Polycystic Kidney, Autosomal Dominant. Identifiers: MedGen C3149841, MONDO:0008263, OMIM 173900.

Submissions (3):

Juno Genomics, Hangzhou Juno Genomics, Inc
Classification: Pathogenic for Polycystic kidney disease, adult type. Review status: criteria provided, single submitter. Criteria: ACMG Guidelines, 2015. Collection method: clinical testing. Allele origin: germline. Affected: yes.
Comment: Null variant in a gene where loss of function (LOF) is a known mechanism of disease.;Absent from controls (or at extremely low frequency if recessive) in Genome Aggregation Database, Exome Sequencing Project, 1000 Genomes Project, or Exome Aggregation Consortium.;Patient's phenotype or family history is highly specific for a disease with a single genetic etiology.

Department of Reproductive Genetics, International Peace Maternity and Child Health Hospital, Shanghai Jiao Tong University School of Medicine
Classification: Pathogenic for Polycystic kidney disease 1. Last evaluated: 2025-05-01. Review status: no assertion criteria provided. Collection method: clinical testing. Allele origin: inherited. Affected: yes. Not counted in ClinVar's aggregate classification.
Comment: The NM_001009944.3(PKD1):c.11375C>A(p.Ser3792*) variant results in nonsense mediated mRNA decay.The variant was absent in control chromosomes in GnomAD project.The mutation-related diseases are highly consistent with the patient's phenotype or family history.

Bioscientia Institut fuer Medizinische Diagnostik GmbH, Sonic Healthcare
Classification: Likely pathogenic for Polycystic kidney disease, adult type. Last evaluated: 2020-02-24. Review status: no assertion criteria provided. Collection method: clinical testing. Allele origin: germline. Affected: yes. Not counted in ClinVar's aggregate classification.

NM_001009944.3(PKD1):c.11375C>A (p.Ser3792Ter)

Genes: PKD1 (polycystin 1, transient receptor potential channel interacting; minus strand), PKD1-AS1 (PKD1 antisense RNA 1; plus strand). Cytogenetic location: 16p13.3.
Variant type: single nucleotide variant.
Coding change: c.11375C>A on transcript NM_001009944.3 (MANE Select); coding-DNA position 11375, C replaced by A.
Protein change: p.Ser3792Ter; replaces serine 3792 with a stop codon.
Molecular consequence: nonsense.
Genome position (GRCh38, 1-based): chr16:2,092,083, G>T on the plus strand (C>A on the coding strand, the complement: PKD1 is on the minus strand). VCF-style: chr16-2092083-G-T. GRCh37 (hg19) VCF-style: chr16-2142084-G-T.
Other names: c.11372C>A, p.Ser3791Ter (NM_000296.4); short protein forms S3791*, S3792*.
Identifiers: ClinVar variation 992451 (VCV000992451.5), dbSNP rs770667157, ClinGen allele CA394334028.